The following is an entry in ClinVar:

NM_000069.3(CACNA1S):c.208G>A (p.Val70Met)

Gene: CACNA1S (calcium voltage-gated channel subunit alpha1 S; minus strand). Cytogenetic location: 1q32.1.
Variant type: single nucleotide variant.
Coding change: c.208G>A on transcript NM_000069.3 (MANE Select); coding-DNA position 208, G replaced by A.
Protein change: p.Val70Met; replaces valine 70 with methionine.
Molecular consequence: missense variant.
Genome position (GRCh38, 1-based): chr1:201,110,214, C>T on the plus strand (G>A on the coding strand, the complement: CACNA1S is on the minus strand). VCF-style: chr1-201110214-C-T. GRCh37 (hg19) VCF-style: chr1-201079342-C-T.
Other names: short protein forms V70M.
Identifiers: ClinVar variation 388920 (VCV000388920.14), dbSNP rs771706267, ClinGen allele CA078801.

ClinVar aggregate classification (germline): Conflicting classifications of pathogenicity. Review status: criteria provided, conflicting classifications (1 of 4 stars). 3 submissions from 3 submitters: Uncertain significance (1); Likely benign (2). Last evaluated 2025-10-27.

Conditions:
Hypokalemic periodic paralysis, type 1. Also called: Hypokalemic Periodic Paralysis Type 1 (AD); HypoPP. Identifiers: Orphanet 681, MedGen C3714580, MONDO:0042979, OMIM 170400.
Malignant hyperthermia, susceptibility to, 5 (MHS5). Also called: CACNA1S-Related Malignant Hyperthermia Susceptibility. Identifiers: Orphanet 423, MedGen C1866077, MONDO:0011163, OMIM 601887.

Allele frequency attached by ClinVar (database versions not stated): gnomAD 0.00005 and 0.00006; TOPMed 0.00005.

Submissions (3):

Labcorp Genetics (formerly Invitae), Labcorp
Classification: Likely benign for Hypokalemic periodic paralysis, type 1; Malignant hyperthermia, susceptibility to, 5. Last evaluated: 2025-10-27. Review status: criteria provided, single submitter. Criteria: Invitae Variant Classification Sherloc (09022015). Collection method: clinical testing. Allele origin: germline.

Color Diagnostics, LLC DBA Color Health
Classification: Likely benign for Malignant hyperthermia, susceptibility to, 5. Last evaluated: 2022-11-17. Review status: criteria provided, single submitter. Criteria: ACMG Guidelines, 2015. Collection method: clinical testing. Allele origin: germline.

GeneDx
Classification: Uncertain significance. Last evaluated: 2016-09-06. Review status: criteria provided, single submitter. Criteria: GeneDx Variant Classification (06012015). Collection method: clinical testing. Allele origin: germline. Affected: yes.
Comment: The V70M variant has not beenpublished as a pathogenic variant, nor has it been reported as a benign variant to our knowledge. It was not observedin approximately 6,500 individuals of European and African American ancestry in the NHLBI Exome SequencingProject, indicating it is not a common benign variant in these populations. The V70M variant is a conservativeamino acid substitution, which is not likely to impact secondary protein structure as these residues share similarproperties. This substitution occurs at a position that where amino acids with similar properties to Valine aretolerated across species. In silico analysis is inconsistent in its predictions as to whether or not the variant isdamaging to the protein structure/function.